The following is an entry in ClinVar:

NM_002890.3(RASA1):c.2425T>C (p.Phe809Leu)

Genes: CCNH (cyclin H; minus strand), RASA1 (RAS p21 protein activator 1; plus strand). Cytogenetic location: 5q14.3.
Variant type: single nucleotide variant.
Coding change: c.2425T>C on transcript NM_002890.3 (MANE Select); coding-DNA position 2425, T replaced by C.
Protein change: p.Phe809Leu; replaces phenylalanine 809 with leucine.
Molecular consequence: missense variant. On other transcripts: intron variant (1).
Genome position (GRCh38, 1-based): chr5:87,378,476, T>C. VCF-style: chr5-87378476-T-C. GRCh37 (hg19) VCF-style: chr5-86674293-T-C.
Other names: c.1894T>C, p.Phe632Leu (NM_022650.3); c.933+16568A>G (NM_001364075.2); short protein forms F809L, F632L.
Identifiers: ClinVar variation 2919515 (VCV002919515.3), dbSNP rs2531355283, ClinGen allele CA360382468.

ClinVar aggregate classification (germline): Uncertain significance (1 of 4 stars; one submission).

Conditions:
Capillary malformation-arteriovenous malformation syndrome. Also called: Capillary malformation-arteriovenous malformation. Identifiers: Orphanet 137667, MedGen C1842180, MONDO:0012016.

Submission:

Labcorp Genetics (formerly Invitae), Labcorp
Classification: Uncertain significance for Capillary malformation-arteriovenous malformation syndrome. Last evaluated: 2023-01-07. Review status: criteria provided, single submitter. Criteria: Invitae Variant Classification Sherloc (09022015). Collection method: clinical testing. Allele origin: germline.
Comment: In summary, the available evidence is currently insufficient to determine the role of this variant in disease. Therefore, it has been classified as a Variant of Uncertain Significance. Algorithms developed to predict the effect of missense changes on protein structure and function are either unavailable or do not agree on the potential impact of this missense change (SIFT: "Deleterious"; PolyPhen-2: "Probably Damaging"; Align-GVGD: "Class C0"). This variant has not been reported in the literature in individuals affected with RASA1-related conditions. This variant is not present in population databases (gnomAD no frequency). This sequence change replaces phenylalanine, which is neutral and non-polar, with leucine, which is neutral and non-polar, at codon 809 of the RASA1 protein (p.Phe809Leu).